The following is an entry in ClinVar:

ClinVar aggregate classification (germline): Uncertain significance (1 of 4 stars; one submission).

Allele frequency attached by ClinVar (database versions not stated): gnomAD 0.00001; gnomAD exomes 0.00001; TOPMed 0.00001; ESP Exome Variant Server 0.00008.
gnomAD v4.1: 18 of 1,613,666 alleles (0.0011%); highest among the groups gnomAD compares: Non-Finnish European, 0.0014%; no homozygotes.

Submission:

Labcorp Genetics (formerly Invitae), Labcorp
Classification: Uncertain significance. Last evaluated: 2022-04-08. Review status: criteria provided, single submitter. Criteria: Invitae Variant Classification Sherloc (09022015). Collection method: clinical testing. Allele origin: germline.
Comment: This sequence change replaces histidine, which is basic and polar, with tyrosine, which is neutral and polar, at codon 122 of the FAM161A protein (p.His122Tyr). This variant is not present in population databases (gnomAD no frequency). This variant has not been reported in the literature in individuals affected with FAM161A-related conditions. ClinVar contains an entry for this variant (Variation ID: 998650). Algorithms developed to predict the effect of missense changes on protein structure and function (SIFT, PolyPhen-2, Align-GVGD) all suggest that this variant is likely to be tolerated. In summary, the available evidence is currently insufficient to determine the role of this variant in disease. Therefore, it has been classified as a Variant of Uncertain Significance.

NM_001201543.2(FAM161A):c.364C>T (p.His122Tyr)

Gene: FAM161A (FAM161 centrosomal protein A; minus strand). Cytogenetic location: 2p15.
Variant type: single nucleotide variant.
Coding change: c.364C>T on transcript NM_001201543.2 (MANE Select); coding-DNA position 364, C replaced by T.
Protein change: p.His122Tyr; replaces histidine 122 with tyrosine.
Molecular consequence: missense variant. On other transcripts: non-coding transcript variant (1).
Genome position (GRCh38, 1-based): chr2:61,842,180, G>A on the plus strand (C>T on the coding strand, the complement: FAM161A is on the minus strand). VCF-style: chr2-61842180-G-A. GRCh37 (hg19) VCF-style: chr2-62069315-G-A.
Other names: c.364C>T, p.His122Tyr (NM_032180.3); short protein forms H122Y.
Identifiers: ClinVar variation 998650 (VCV000998650.6), dbSNP rs376024034, ClinGen allele CA48478656.
Genomic context (GRCh38, chr2:61,842,180, plus strand): 5'-ACCTGGAAGAGTCACTAAGAGAGTCTTCTCTGATGACCACTGGCTGAACTTCCTTTAAAT[G>A]TAATTTATCCTGGTACATTTTCTCTAATTTTGCCATAGTTTCTATGTGGGCAGCCTTCAA-3'
Protein context (NP_001188472.1, residues 112-132): KLEKMYQDKL[His122Tyr]LKEVQPVVIR